The following is an entry in ClinVar:

ClinVar aggregate classification (germline): Likely pathogenic (1 of 4 stars; one submission).

Conditions:
Mendelian susceptibility to mycobacterial diseases due to complete IL12RB1 deficiency. Also called: Immunodeficiency 30; IL12RB1 DEFICIENCY. Identifiers: Orphanet 319552, MedGen C4013949, MONDO:0013955, OMIM 614891.

Submission:

Laboratory for Molecular Medicine, Mass General Brigham Personalized Medicine
Classification: Likely pathogenic for Mendelian susceptibility to mycobacterial diseases due to complete IL12RB1 deficiency. Last evaluated: 2023-10-09. Review status: criteria provided, single submitter. Criteria: ACMG Guidelines, 2015. Collection method: clinical testing. Allele origin: germline. Inheritance: Autosomal recessive inheritance.
Comment: The p.Leu36GlyfsX11 variant in IL12RB1 has not been previously reported in individuals with immunodeficiency nor in large population studies (gnomAD v.3.1.2). This variant is predicted to cause a frameshift, which alters the protein’s amino acid sequence beginning at position 36 and leads to a premature termination codon 11 amino acids downstream. This alteration is then predicted to lead to a truncated or absent protein. Frameshift and other loss of function variants have been reported in individuals with immunodeficiency to mycobacterial infections, including variants downstream of the p.Leu36GlyfsX11 variant (deJong 1998 PMID: 9603733, Fieschi 2003 PMID: 12591909, de Beaucoudrey 2010 PMID: 21057261). In summary, although additional studies are required to fully establish its clinical significance, this variant meets criteria to be classified as likely pathogenic for autosomal recessive IL12RB1-deficiency resulting in susceptibility to mycobacterial diseases. ACMG/AMP Criteria applied: PVS1, PM2_Supporting.

NM_005535.3(IL12RB1):c.-17_-16dup

Gene: IL12RB1 (interleukin 12 receptor subunit beta 1; minus strand). Cytogenetic location: 19p13.11.
Variant type: Duplication.
Coding change: c.-17_-16dup on transcript NM_005535.3 (MANE Select); 17 bases upstream of the start codon through 16 bases upstream of the start codon, 2 bases duplicated (GG; older notation c.-17_-16dupGG).
Molecular consequence: 5 prime UTR variant. On other transcripts: frameshift variant (1).
Genome position (GRCh38, 1-based): chr19:18,086,839-18,086,840, CC duplicated on the plus strand (GG on the coding strand, the reverse complement: IL12RB1 is on the minus strand); duplicating any 2 consecutive bases within chr19:18,086,839-18,086,842 gives the same sequence; the c. name uses the placement nearest the transcript's 3' end. VCF-style (leftmost placement, unchanged base first): chr19-18086838-G-GCC. GRCh37 (hg19) VCF-style: chr19-18197648-G-GCC.
Other names: c.-17_-16dup (NM_001290023.2, NM_153701.3); c.102_103dup, p.Leu36Glyfs (NM_001290024.2); short protein forms L36fs.
Identifiers: ClinVar variation 3075963 (VCV003075963.1), dbSNP rs2515494062, ClinGen allele CA2825002758.